The following is an entry in ClinVar:

NM_000052.7(ATP7A):c.1224A>G (p.Ile408Met)

Gene: ATP7A (ATPase copper transporting alpha; plus strand). Cytogenetic location: Xq21.1.
Variant type: single nucleotide variant.
Coding change: c.1224A>G on transcript NM_000052.7 (MANE Select); coding-DNA position 1224, A replaced by G.
Protein change: p.Ile408Met; replaces isoleucine 408 with methionine.
Molecular consequence: missense variant.
Genome position (GRCh38, 1-based): chrX:77,989,846, A>G. VCF-style: chrX-77989846-A-G. GRCh37 (hg19) VCF-style: chrX-77245342-A-G.
Other names: c.1224A>G, p.Ile408Met (NM_001282224.2); short protein forms I408M.
Identifiers: ClinVar variation 968666 (VCV000968666.11), dbSNP rs373634671, ClinGen allele CA10459007.

ClinVar aggregate classification (germline): Conflicting classifications of pathogenicity. Review status: criteria provided, conflicting classifications (1 of 4 stars). 4 submissions from 4 submitters: Uncertain significance (2); Benign (1). 1 of the submissions does not count toward it. Last evaluated 2026-01-03.

Conditions:
Menkes kinky-hair syndrome (MNK). Also called: Menkes Disease; Copper transport disease; Classic Menkes Disease. Identifiers: Orphanet 565, MedGen C0022716, MONDO:0010651, OMIM 309400.
Cutis laxa, X-linked (OHS). Also called: EDS IX; Occipital horn syndrome. Identifiers: Orphanet 198, MedGen C0268353, MONDO:0010572, OMIM 304150.
X-linked distal spinal muscular atrophy type 3. Also called: ATP7A-Related Distal Motor Neuropathy; NEURONOPATHY, DISTAL HEREDITARY MOTOR, X-LINKED; NEUROPATHY, DISTAL HEREDITARY MOTOR, X-LINKED; SPINAL MUSCULAR ATROPHY, DISTAL, X-LINKED RECESSIVE. Identifiers: Orphanet 139557, MedGen C1845359, MONDO:0010338, OMIM 300489.

Allele frequency attached by ClinVar (database versions not stated): gnomAD exomes 0.00002; TOPMed 0.00003; ESP Exome Variant Server 0.00009; gnomAD 0.00001; ExAC 0.00002.
gnomAD v4.1: 27 of 1,209,033 alleles (0.0022%); highest among the groups gnomAD compares: Non-Finnish European, 0.00022%; no homozygotes.

Submissions (4):

Labcorp Genetics (formerly Invitae), Labcorp
Classification: Benign for X-linked distal spinal muscular atrophy type 3; Cutis laxa, X-linked; Menkes kinky-hair syndrome. Last evaluated: 2026-01-03. Review status: criteria provided, single submitter. Criteria: Invitae Variant Classification Sherloc (09022015). Collection method: clinical testing. Allele origin: germline.

Women's Health and Genetics/Laboratory Corporation of America, LabCorp
Classification: Uncertain significance. Last evaluated: 2023-11-10. Review status: criteria provided, single submitter. Criteria: LabCorp Variant Classification Summary - May 2015. Collection method: clinical testing. Allele origin: germline.
Comment: Variant summary: ATP7A c.1224A>G (p.Ile408Met) results in a conservative amino acid change located in a Heavy metal-associated domain (IPR006121) of the encoded protein sequence. Three of five in-silico tools predict a damaging effect of the variant on protein function. The variant allele was found at a frequency of 2.2e-05 in 181946 control chromosomes. The available data on variant occurrences in the general population are insufficient to allow any conclusion about variant significance. To our knowledge, no occurrence of c.1224A>G in individuals affected with Menkes Kinky-Hair Syndrome and no experimental evidence demonstrating its impact on protein function have been reported. Three submitters have cited clinical-significance assessments for this variant to ClinVar after 2014. Two classified the variant as uncertain significance, and one classified the variant as benign. Based on the evidence outlined above, the variant was classified as uncertain significance.

GeneDx
Classification: Uncertain significance. Last evaluated: 2019-10-29. Review status: criteria provided, single submitter. Criteria: GeneDx Variant Classification Process June 2021. Collection method: clinical testing. Allele origin: germline. Affected: yes.
Comment: Has not been previously published as pathogenic or benign to our knowledge; In silico analysis, which includes protein predictors and evolutionary conservation, supports that this variant does not alter protein structure/function

Natera, Inc.
Classification: Uncertain significance for Menkes kinky hair syndrome. Last evaluated: 2020-11-06. Review status: no assertion criteria provided. Collection method: clinical testing. Allele origin: germline. Not counted in ClinVar's aggregate classification.